The following is an entry in ClinVar:

NM_198578.4(LRRK2):c.5785C>A (p.His1929Asn)

Gene: LRRK2 (leucine rich repeat kinase 2; plus strand). Cytogenetic location: 12q12.
Variant type: single nucleotide variant.
Coding change: c.5785C>A on transcript NM_198578.4 (MANE Select); coding-DNA position 5785, C replaced by A.
Protein change: p.His1929Asn; replaces histidine 1929 with asparagine.
Molecular consequence: missense variant.
Genome position (GRCh38, 1-based): chr12:40,334,994, C>A. VCF-style: chr12-40334994-C-A. GRCh37 (hg19) VCF-style: chr12-40728796-C-A.
Other names: short protein forms H1929N.
Identifiers: ClinVar variation 3291852 (VCV003291852.1).
Genomic context (GRCh38, chr12:40,334,994, plus strand): 5'-GAATTACTCTTACATGATTTTGGACTTTTGCAGGAGCTTGTGGTGCTTTGCCACCTCCAC[C>A]ACCCCAGTTTGATATCTTTGCTGGCAGCTGGGATTCGTCCCCGGATGTTGGTGATGGAGT-3'
Protein context (NP_940980.4, residues 1919-1939): QELVVLCHLH[His1929Asn]PSLISLLAAG

ClinVar aggregate classification (germline): Uncertain significance (1 of 4 stars; one submission).

Conditions:
Inborn genetic diseases. Identifiers: MedGen C0950123, MeSH D030342.

gnomAD v4.1: 13 of 1,614,050 alleles (0.00081%); highest among the groups gnomAD compares: Non-Finnish European, 0.0011%; no homozygotes.

Submission:

Ambry Genetics
Classification: Uncertain significance for Inborn genetic diseases. Last evaluated: 2024-04-17. Review status: criteria provided, single submitter. Criteria: Ambry Variant Classification Scheme 2023. Collection method: clinical testing. Allele origin: germline.
Comment: The p.H1929N variant (also known as c.5785C>A), located in coding exon 40 of the LRRK2 gene, results from a C to A substitution at nucleotide position 5785. The histidine at codon 1929 is replaced by asparagine, an amino acid with similar properties. This amino acid position is conserved. In addition, the in silico prediction for this alteration is inconclusive. Based on the available evidence, the clinical significance of this variant remains unclear.